The following is an entry in ClinVar:

NM_153460.4(IL17RC):c.332C>T (p.Ser111Leu)

Gene: IL17RC (interleukin 17 receptor C; plus strand). Cytogenetic location: 3p25.3.
Variant type: single nucleotide variant.
Coding change: c.332C>T on transcript NM_153460.4 (MANE Select); coding-DNA position 332, C replaced by T.
Protein change: p.Ser111Leu; replaces serine 111 with leucine.
Molecular consequence: missense variant. On other transcripts: non-coding transcript variant (1), intron variant (1).
Genome position (GRCh38, 1-based): chr3:9,918,386, C>T. VCF-style: chr3-9918386-C-T. GRCh37 (hg19) VCF-style: chr3-9960070-C-T.
Other names: p.Ser182Leu; c.332C>T, p.Ser111Leu (NM_001203263.2, NM_001203264.2, NM_001203265.2 and 3 more transcripts); c.545C>T, p.Ser182Leu (NM_153461.4); c.281-114C>T (NM_001367279.1); c.545C>T (NM_153461.3); short protein forms S111L, S182L.
Identifiers: ClinVar variation 1168986 (VCV001168986.15), dbSNP rs708567, ClinGen allele CA2246805.

ClinVar aggregate classification (germline): Benign/Likely benign. Review status: criteria provided, multiple submitters, no conflicts (2 of 4 stars). 6 submissions from 6 submitters: Benign (5); Likely benign (1). Last evaluated 2026-02-04.

Conditions:
Candidiasis, familial, 9 (CANDF9). Identifiers: Orphanet 1334, MedGen C4225324, MONDO:0014642, OMIM 616445.

Allele frequency attached by ClinVar (database versions not stated): 1000 Genomes Project 0.38698; 1000 Genomes Project 30x 0.39569; gnomAD exomes 0.46338 and 0.51120; TOPMed 0.49532; gnomAD 0.50184 and 0.51321; ExAC 0.51187; ESP Exome Variant Server 0.51707.
gnomAD v4.1: 819,788 of 1,607,902 alleles (51%); highest among the groups gnomAD compares: Non-Finnish European, 54%; 215,790 homozygotes.

Submissions (6):

Labcorp Genetics (formerly Invitae), Labcorp
Classification: Benign for Candidiasis, familial, 9. Last evaluated: 2026-02-04. Review status: criteria provided, single submitter. Criteria: Invitae Variant Classification Sherloc (09022015). Collection method: clinical testing. Allele origin: germline.

Blueprint Genetics
Classification: Likely benign. Last evaluated: 2024-11-26. Review status: criteria provided, single submitter. Criteria: ACMG Guidelines, 2015. Collection method: clinical testing. Allele origin: germline.

Unidad de Genómica Garrahan, Hospital de Pediatría Garrahan
Classification: Benign. Last evaluated: 2024-01-24. Review status: criteria provided, single submitter. Criteria: ACMG Guidelines, 2015. Collection method: clinical testing. Allele origin: germline. Affected: no. Observed: 65 variant alleles.
Comment: This variant is classified as Benign based on local population frequency. This variant was detected in 68% of patients studied by a panel of primary immunodeficiencies. Number of patients: 65. Only high quality variants are reported.

Mayo Clinic Laboratories, Mayo Clinic
Classification: Benign. Last evaluated: 2022-09-06. Review status: criteria provided, single submitter. Criteria: ACMG Guidelines, 2015. Collection method: clinical testing. Allele origin: germline. Observed: 74 variant alleles.

Genome-Nilou Lab
Classification: Benign for Candidiasis, familial, 9. Last evaluated: 2021-08-19. Review status: criteria provided, single submitter. Criteria: ACMG Guidelines, 2015. Collection method: clinical testing. Allele origin: germline. Affected: no.

Breakthrough Genomics
Classification: Benign. Review status: criteria provided, single submitter. Criteria: ACMG Guidelines, 2015. Collection method: not provided. Allele origin: germline. Inheritance: Autosomal recessive inheritance. Affected: yes.